The following is an entry in ClinVar:

ClinVar aggregate classification (germline): Likely benign (1 of 4 stars; one submission).

Allele frequency attached by ClinVar (database versions not stated): gnomAD 0.00001; gnomAD exomes 0.00001; TOPMed 0.00001; ExAC 0.00003.
gnomAD v4.1: 14 of 1,613,928 alleles (0.00087%); highest among the groups gnomAD compares: East Asian, 0.029%; no homozygotes.

Submission:

CeGaT Center for Human Genetics Tuebingen
Classification: Likely benign. Last evaluated: 2022-11-01. Review status: criteria provided, single submitter. Criteria: CeGaT Center For Human Genetics Tuebingen Variant Classification Criteria Version 2. Collection method: clinical testing. Allele origin: germline. Affected: yes. Observed: 1 variant allele.
Comment: SPIDR: BP4, BP7

NM_001080394.4(SPIDR):c.2410A>C (p.Arg804=)

Gene: SPIDR (scaffold protein involved in DNA repair; plus strand). Cytogenetic location: 8q11.21.
Variant type: single nucleotide variant.
Coding change: c.2410A>C on transcript NM_001080394.4 (MANE Select); coding-DNA position 2410, A replaced by C.
Protein change: p.Arg804=; no amino-acid change (arginine 804 retained).
Molecular consequence: synonymous variant. On other transcripts: non-coding transcript variant (3), intron variant (4).
Genome position (GRCh38, 1-based): chr8:47,727,268, A>C. VCF-style: chr8-47727268-A-C. GRCh37 (hg19) VCF-style: chr8-48639830-A-C.
Other names: c.1477A>C, p.Arg493= (NM_001352952.1, NM_001352953.1, NM_001352955.1 and 2 more transcripts); c.1162A>C, p.Arg388= (NM_001352958.1); c.925A>C, p.Arg309= (NM_001352959.1); c.835A>C, p.Arg279= (NM_001352960.1); c.2342-8039A>C (NM_001352961.1); c.1850-8039A>C (NM_001352943.1); c.1826-8039A>C (NM_001352944.1); c.2132-8039A>C (NM_001352936.1); and 9 more.
Identifiers: ClinVar variation 2658589 (VCV002658589.24), dbSNP rs749395544, ClinGen allele CA4738539.